The following is an entry in ClinVar:

NM_000368.5(TSC1):c.1754C>T (p.Pro585Leu)

Gene: TSC1 (TSC complex subunit 1; minus strand). Cytogenetic location: 9q34.13.
Variant type: single nucleotide variant.
Coding change: c.1754C>T on transcript NM_000368.5 (MANE Select); coding-DNA position 1754, C replaced by T.
Protein change: p.Pro585Leu; replaces proline 585 with leucine.
Molecular consequence: missense variant.
Genome position (GRCh38, 1-based): chr9:132,905,824, G>A on the plus strand (C>T on the coding strand, the complement: TSC1 is on the minus strand). VCF-style: chr9-132905824-G-A. GRCh37 (hg19) VCF-style: chr9-135781211-G-A.
Other names: c.1751C>T, p.Pro584Leu (NM_001162426.2); c.1601C>T, p.Pro534Leu (NM_001162427.2); c.1391C>T, p.Pro464Leu (NM_001362177.2); short protein forms P464L, P584L, P534L, P585L.
Identifiers: ClinVar variation 1450940 (VCV001450940.11), dbSNP rs1845627444, ClinGen allele CA375363764.

ClinVar aggregate classification (germline): Uncertain significance. Review status: criteria provided, multiple submitters, no conflicts (2 of 4 stars). 3 submissions from 3 submitters: Uncertain significance (3). Last evaluated 2025-04-21.

Conditions:
Tuberous sclerosis 1 (TSC1). Identifiers: Orphanet 805, MedGen C1854465, MONDO:0008612, OMIM 191100.
Lymphangiomyomatosis (LAM). Also called: Lymphangioleiomyomatosis; Lymphangioleiomyomatosis, somatic. Identifiers: Orphanet 538, MedGen C0751674, MONDO:0011705, OMIM 606690.
Isolated focal cortical dysplasia type II (FCORD2). Also called: CORTICAL DYSPLASIA OF TAYLOR; Focal cortical dysplasia type II. Identifiers: Orphanet 268994, MedGen C1846385, MONDO:0011818, OMIM 607341, HP:0032051.
Hereditary cancer-predisposing syndrome. Also called: Tumor predisposition; Hereditary neoplastic syndrome; Hereditary Cancer Syndrome; Neoplastic Syndromes, Hereditary. Identifiers: Orphanet 140162, MedGen C0027672, MeSH D009386, MONDO:0015356.

Allele frequency attached by ClinVar (database versions not stated): gnomAD exomes below 0.00001; TOPMed below 0.00001; gnomAD 0.00001.
gnomAD v4.1: 2 of 1,614,074 alleles (0.00012%); highest among the groups gnomAD compares: Middle Eastern, 0.016%; no homozygotes.

Submissions (3):

Ambry Genetics
Classification: Uncertain significance for Hereditary cancer-predisposing syndrome. Last evaluated: 2025-04-21. Review status: criteria provided, single submitter. Criteria: Ambry Variant Classification Scheme 2023. Collection method: clinical testing. Allele origin: germline.
Comment: The p.P585L variant (also known as c.1754C>T), located in coding exon 13 of the TSC1 gene, results from a C to T substitution at nucleotide position 1754. The proline at codon 585 is replaced by leucine, an amino acid with similar properties. This amino acid position is highly conserved in available vertebrate species. In addition, the in silico prediction for this alteration is inconclusive. Based on the available evidence, the clinical significance of this variant remains unclear.

Fulgent Genetics
Classification: Uncertain significance for Tuberous sclerosis 1; Lymphangiomyomatosis; Isolated focal cortical dysplasia type II. Last evaluated: 2024-03-18. Review status: criteria provided, single submitter. Criteria: ACMG Guidelines, 2015. Collection method: clinical testing. Allele origin: germline.

Labcorp Genetics (formerly Invitae), Labcorp
Classification: Uncertain significance for Tuberous sclerosis 1. Last evaluated: 2021-10-16. Review status: criteria provided, single submitter. Criteria: Invitae Variant Classification Sherloc (09022015). Collection method: clinical testing. Allele origin: germline.
Comment: This sequence change replaces proline with leucine at codon 585 of the TSC1 protein (p.Pro585Leu). The proline residue is moderately conserved and there is a moderate physicochemical difference between proline and leucine. This variant is not present in population databases (ExAC no frequency). This variant has not been reported in the literature in individuals affected with TSC1-related conditions. Algorithms developed to predict the effect of missense changes on protein structure and function are either unavailable or do not agree on the potential impact of this missense change (SIFT: "Tolerated"; PolyPhen-2: "Probably Damaging"; Align-GVGD: "Class C0"). In summary, the available evidence is currently insufficient to determine the role of this variant in disease. Therefore, it has been classified as a Variant of Uncertain Significance.